The following is an entry in ClinVar:

NM_005334.3(HCFC1):c.1545C>T (p.Thr515=)

Gene: HCFC1 (host cell factor C1; minus strand). Cytogenetic location: Xq28.
Variant type: single nucleotide variant.
Coding change: c.1545C>T on transcript NM_005334.3 (MANE Select); coding-DNA position 1545, C replaced by T.
Protein change: p.Thr515=; no amino-acid change (threonine 515 retained).
Molecular consequence: synonymous variant.
Genome position (GRCh38, 1-based): chrX:153,959,391, G>A on the plus strand (C>T on the coding strand, the complement: HCFC1 is on the minus strand). VCF-style: chrX-153959391-G-A. GRCh37 (hg19) VCF-style: chrX-153224842-G-A.
Other names: c.1545C>T, p.Thr515= (NM_001410705.1).
Identifiers: ClinVar variation 2661773 (VCV002661773.28), dbSNP rs114030669, ClinGen allele CA337256924.

ClinVar aggregate classification (germline): Likely benign. Review status: criteria provided, multiple submitters, no conflicts (2 of 4 stars). 3 submissions from 3 submitters: Likely benign (3). Last evaluated 2023-10-01.

Conditions:
Methylmalonic acidemia with homocystinuria, type cblX (MAHCX). Also called: INTELLECTUAL DEVELOPMENTAL DISORDER, X-LINKED 3. Identifiers: Orphanet 369962, MedGen C0796208, MONDO:0010657, OMIM 309541.

Allele frequency attached by ClinVar (database versions not stated): gnomAD exomes below 0.00001; TOPMed 0.00002; gnomAD 0.00004; 1000 Genomes Project 0.00026; 1000 Genomes Project 30x 0.00042.
gnomAD v4.1: 9 of 1,210,804 alleles (0.00074%); highest among the groups gnomAD compares: African/African-American, 0.0035%; no homozygotes.

Submissions (3):

CeGaT Center for Human Genetics Tuebingen
Classification: Likely benign. Last evaluated: 2023-10-01. Review status: criteria provided, single submitter. Criteria: CeGaT Center For Human Genetics Tuebingen Variant Classification Criteria Version 2. Collection method: clinical testing. Allele origin: germline. Affected: yes. Observed: 1 variant allele.
Comment: HCFC1: BP4, BP7

Labcorp Genetics (formerly Invitae), Labcorp
Classification: Likely benign for Methylmalonic acidemia with homocystinuria, type cblX. Last evaluated: 2023-09-27. Review status: criteria provided, single submitter. Criteria: Invitae Variant Classification Sherloc (09022015). Collection method: clinical testing. Allele origin: germline.

Blueprint Genetics
Classification: Likely benign. Last evaluated: 2023-02-14. Review status: criteria provided, single submitter. Criteria: ACMG Guidelines, 2015. Collection method: clinical testing. Allele origin: germline.